The following is an entry in ClinVar:

ClinVar aggregate classification (germline): Benign. Review status: criteria provided, multiple submitters, no conflicts (2 of 4 stars). 2 submissions from 2 submitters: Benign (2). Last evaluated 2018-01-12.

Conditions:
Episodic ataxia type 5. Identifiers: Orphanet 211067, MedGen C1866039, MONDO:0013464, OMIM 613855.

Allele frequency attached by ClinVar (database versions not stated): 1000 Genomes Project 0.10543; 1000 Genomes Project 30x 0.10712; TOPMed 0.11305; gnomAD 0.11337 and 0.11625.

Submissions (2):

Illumina Laboratory Services, Illumina
Classification: Benign for Episodic ataxia type 5. Last evaluated: 2018-01-12. Review status: criteria provided, single submitter. Criteria: ICSL Variant Classification Criteria 13 December 2019. Collection method: clinical testing. Allele origin: germline.
Comment: This variant was observed in the ICSL laboratory as part of a predisposition screen in an ostensibly healthy population. It had not been previously curated by ICSL or reported in the Human Gene Mutation Database (HGMD: prior to June 1st, 2018), and was therefore a candidate for classification through an automated scoring system. Utilizing variant allele frequency, disease prevalence and penetrance estimates, and inheritance mode, an automated score was calculated to assess if this variant is too frequent to cause the disease. Based on the score and internal cut-off values, a variant classified as benign is not then subjected to further curation. The score for this variant resulted in a classification of benign for this disease.

Breakthrough Genomics
Classification: Benign. Review status: criteria provided, single submitter. Criteria: ACMG Guidelines, 2015. Collection method: not provided. Allele origin: germline. Inheritance: Autosomal dominant inheritance. Affected: yes.

NM_000726.5(CACNB4):c.*1185T>C

Gene: CACNB4 (calcium voltage-gated channel auxiliary subunit beta 4; minus strand). Cytogenetic location: 2q23.3.
Variant type: single nucleotide variant.
Coding change: c.*1185T>C on transcript NM_000726.5 (MANE Select); 1185 bases downstream of the stop codon, T replaced by C.
Molecular consequence: 3 prime UTR variant.
Genome position (GRCh38, 1-based): chr2:151,837,934, A>G on the plus strand (T>C on the coding strand, the complement: CACNB4 is on the minus strand). VCF-style: chr2-151837934-A-G. GRCh37 (hg19) VCF-style: chr2-152694448-A-G.
Other names: c.*1185T>C (NM_001005746.4, NM_001005747.4, NM_001145798.3 and 7 more transcripts).
Identifiers: ClinVar variation 331610 (VCV000331610.7), dbSNP rs13410490, ClinGen allele CA10611407.